The following is an entry in ClinVar:

NM_018082.6(POLR3B):c.2809C>T (p.Arg937Ter)

Gene: POLR3B (RNA polymerase III subunit B; plus strand). Cytogenetic location: 12q23.3.
Variant type: single nucleotide variant.
Coding change: c.2809C>T on transcript NM_018082.6 (MANE Select); coding-DNA position 2809, C replaced by T.
Protein change: p.Arg937Ter; replaces arginine 937 with a stop codon.
Molecular consequence: nonsense.
Genome position (GRCh38, 1-based): chr12:106,496,150, C>T. VCF-style: chr12-106496150-C-T. GRCh37 (hg19) VCF-style: chr12-106889928-C-T.
Other names: NM_001160708.2:c.2635C>T; c.2635C>T, p.Arg879Ter (NM_001160708.2); short protein forms R879*, R937*.
Identifiers: ClinVar variation 2159514 (VCV002159514.4), dbSNP rs763154774, ClinGen allele CA6762286.

ClinVar aggregate classification (germline): Pathogenic/Likely pathogenic. Review status: criteria provided, multiple submitters, no conflicts (2 of 4 stars). 2 submissions from 2 submitters: Pathogenic (1); Likely pathogenic (1). Last evaluated 2023-08-04.

Conditions:
Leukodystrophy, hypomyelinating, 8, with or without oligodontia and/or hypogonadotropic hypogonadism. Also called: Endosteal sclerosis-cerebellar hypoplasia syndrome; Hypomyelinating leukodystrophy 8 with or without oligodontia and-or hypogonadotropic hypogonadism; LEUKODYSTROPHY, HYPOMYELINATING, 8, WITH HYPODONTIA AND HYPOGONADOTROPIC HYPOGONADISM. Identifiers: Orphanet 85186, Orphanet 88637, MedGen C3280644, MONDO:0013722, OMIM 614381.

Allele frequency attached by ClinVar (database versions not stated): gnomAD 0.00001; gnomAD exomes 0.00001; TOPMed 0.00001; ExAC 0.00002.
gnomAD v4.1: 17 of 1,590,234 alleles (0.0011%); highest among the groups gnomAD compares: African/African-American, 0.0013%; no homozygotes.

Submissions (2):

Labcorp Genetics (formerly Invitae), Labcorp
Classification: Pathogenic. Last evaluated: 2023-08-04. Review status: criteria provided, single submitter. Criteria: Invitae Variant Classification Sherloc (09022015). Collection method: clinical testing. Allele origin: germline.
Comment: For these reasons, this variant has been classified as Pathogenic. ClinVar contains an entry for this variant (Variation ID: 2159514). This premature translational stop signal has been observed in individual(s) with POLR3B-related conditions (PMID: 29141312). This variant is present in population databases (rs763154774, gnomAD 0.003%). This sequence change creates a premature translational stop signal (p.Arg937*) in the POLR3B gene. It is expected to result in an absent or disrupted protein product. Loss-of-function variants in POLR3B are known to be pathogenic (PMID: 25339210).

Broad Center for Mendelian Genomics, Broad Institute of MIT and Harvard
Classification: Likely pathogenic for Leukodystrophy, hypomyelinating, 8, with or without oligodontia and/or hypogonadotropic hypogonadism. Last evaluated: 2022-02-28. Review status: criteria provided, single submitter. Criteria: ACMG Guidelines, 2015. Collection method: curation. Allele origin: germline. Inheritance: Autosomal recessive inheritance.
Comment: The p.Arg937Ter variant in POLR3B has not been previously reported in the literature in individuals with 4H leukodystrophy but has been identified in 0.003% (1/30616) of South Asian chromosomes by the Genome Aggregation Database (gnomAD; dbSNP ID: rs763154774). Although this variant has been seen in the general population in a heterozygous state, its frequency is low enough to be consistent with a recessive carrier frequency. This nonsense variant leads to a premature termination codon at position 937, which is predicted to lead to a truncated or absent protein. Loss of function of the POLR3B gene is an established disease mechanism in autosomal recessive 4H leukodystrophy. In summary, although additional studies are required to fully establish its clinical significance, this variant is likely pathogenic for autosomal recessive 4H leukodystrophy. ACMG/AMP Criteria applied: PVS1, PM2 (Richards 2015).

Literature cited by the submitters: PubMed 29141312 (cited by Labcorp Genetics (formerly Invitae), Labcorp); PubMed 25339210 (cited by Labcorp Genetics (formerly Invitae), Labcorp).